The following is an entry in ClinVar:

ClinVar aggregate classification (germline): Uncertain significance (1 of 4 stars; one submission).

Submission:

Labcorp Genetics (formerly Invitae), Labcorp
Classification: Uncertain significance. Last evaluated: 2021-12-02. Review status: criteria provided, single submitter. Criteria: Invitae Variant Classification Sherloc (09022015). Collection method: clinical testing. Allele origin: germline.
Comment: Algorithms developed to predict the effect of missense changes on protein structure and function are either unavailable or do not agree on the potential impact of this missense change (SIFT: "Tolerated"; PolyPhen-2: "Probably Damaging"; Align-GVGD: "Class C0"). This variant has not been reported in the literature in individuals affected with WDR62-related conditions. This variant is not present in population databases (gnomAD no frequency). This sequence change replaces cysteine, which is neutral and slightly polar, with phenylalanine, which is neutral and non-polar, at codon 647 of the WDR62 protein (p.Cys647Phe). In summary, the available evidence is currently insufficient to determine the role of this variant in disease. Therefore, it has been classified as a Variant of Uncertain Significance.

NM_001083961.2(WDR62):c.1940G>T (p.Cys647Phe)

Gene: WDR62 (WD repeat domain 62; plus strand). Cytogenetic location: 19q13.12.
Variant type: single nucleotide variant.
Coding change: c.1940G>T on transcript NM_001083961.2 (MANE Select); coding-DNA position 1940, G replaced by T.
Protein change: p.Cys647Phe; replaces cysteine 647 with phenylalanine.
Molecular consequence: missense variant.
Genome position (GRCh38, 1-based): chr19:36,089,288, G>T. VCF-style: chr19-36089288-G-T. GRCh37 (hg19) VCF-style: chr19-36580190-G-T.
Other names: c.1940G>T, p.Cys647Phe (NM_173636.5); short protein forms C647F.
Identifiers: ClinVar variation 1490661 (VCV001490661.6), dbSNP rs1341787411, ClinGen allele CA405441841.
Genomic context (GRCh38, chr19:36,089,288, plus strand): 5'-AGAAAACCACCTTGTATGACATGGACATTGACATCACCCAGAAGTACGTGGCCGTGGCCT[G>T]CCAGGACCGCAATGTGAGGTAAGGGGTGGCCCTGGACCCTTAGCTGGCCTGGTCTGCCTT-3'
Protein context (NP_001077430.1, residues 637-657): DITQKYVAVA[Cys647Phe]QDRNVRVYNT